The following is an entry in ClinVar:

ClinVar aggregate classification (germline): Uncertain significance (1 of 4 stars; one submission).

Conditions:
Familial thoracic aortic aneurysm and aortic dissection (TAAD). Also called: Thoracic aortic aneurysms and dissections. Identifiers: Orphanet 91387, MedGen C4707243, MONDO:0019625.

Submission:

Ambry Genetics
Classification: Uncertain significance for Familial thoracic aortic aneurysm and aortic dissection. Last evaluated: 2025-02-20. Review status: criteria provided, single submitter. Criteria: Ambry Variant Classification Scheme 2023. Collection method: clinical testing. Allele origin: germline.
Comment: The p.S1488Y variant (also known as c.4463C>A), located in coding exon 34 of the FBN2 gene, results from a C to A substitution at nucleotide position 4463. The serine at codon 1488 is replaced by tyrosine, an amino acid with dissimilar properties. This amino acid position is well conserved in available vertebrate species. In addition, the in silico prediction for this alteration is inconclusive. Based on the available evidence, the clinical significance of this variant remains unclear.

NM_001999.4(FBN2):c.4463C>A (p.Ser1488Tyr)

Gene: FBN2 (fibrillin 2; minus strand). Cytogenetic location: 5q23.3.
Variant type: single nucleotide variant.
Coding change: c.4463C>A on transcript NM_001999.4 (MANE Select); coding-DNA position 4463, C replaced by A.
Protein change: p.Ser1488Tyr; replaces serine 1488 with tyrosine.
Molecular consequence: missense variant.
Genome position (GRCh38, 1-based): chr5:128,328,704, G>T on the plus strand (C>A on the coding strand, the complement: FBN2 is on the minus strand). VCF-style: chr5-128328704-G-T. GRCh37 (hg19) VCF-style: chr5-127664396-G-T.
Other names: short protein forms S1488Y.
Identifiers: ClinVar variation 3849212 (VCV003849212.1).